The following is an entry in ClinVar:

NM_133497.4(KCNV2):c.610G>A (p.Glu204Lys)

Gene: KCNV2 (potassium voltage-gated channel modifier subfamily V member 2; plus strand). Cytogenetic location: 9p24.2.
Variant type: single nucleotide variant.
Coding change: c.610G>A on transcript NM_133497.4 (MANE Select); coding-DNA position 610, G replaced by A.
Protein change: p.Glu204Lys; replaces glutamic acid 204 with lysine.
Molecular consequence: missense variant.
Genome position (GRCh38, 1-based): chr9:2,718,349, G>A. VCF-style: chr9-2718349-G-A. GRCh37 (hg19) VCF-style: chr9-2718349-G-A.
Other names: short protein forms E204K.
Identifiers: ClinVar variation 727586 (VCV000727586.14), dbSNP rs200983782, ClinGen allele CA4965532.

ClinVar aggregate classification (germline): Conflicting classifications of pathogenicity. Review status: criteria provided, conflicting classifications (1 of 4 stars). 4 submissions from 4 submitters: Uncertain significance (1); Benign (1); Likely benign (1). 1 of the submissions does not count toward it. Last evaluated 2025-11-22.

Conditions:
Inborn genetic diseases. Identifiers: MedGen C0950123, MeSH D030342.
KCNV2-related disorder. Also called: KCNV2-related condition.

Allele frequency attached by ClinVar (database versions not stated): gnomAD exomes 0.00021; 1000 Genomes Project 0.00040; 1000 Genomes Project 30x 0.00047; gnomAD 0.00074 and 0.00083; TOPMed 0.00096; ESP Exome Variant Server 0.00120.

Submissions (4):

Labcorp Genetics (formerly Invitae), Labcorp
Classification: Likely benign. Last evaluated: 2025-11-22. Review status: criteria provided, single submitter. Criteria: Invitae Variant Classification Sherloc (09022015). Collection method: clinical testing. Allele origin: germline.

Ambry Genetics
Classification: Uncertain significance for Inborn genetic diseases. Last evaluated: 2025-04-15. Review status: criteria provided, single submitter. Criteria: Ambry Variant Classification Scheme 2023. Collection method: clinical testing. Allele origin: germline.

Blueprint Genetics
Classification: Benign. Last evaluated: 2024-07-05. Review status: criteria provided, single submitter. Criteria: ACMG Guidelines, 2015. Collection method: clinical testing. Allele origin: germline.

PreventionGenetics, part of Exact Sciences
Classification: Likely benign for KCNV2-related condition. Last evaluated: 2024-03-07. Review status: no assertion criteria provided. Collection method: clinical testing. Allele origin: germline. Not counted in ClinVar's aggregate classification.
Comment: This variant is classified as likely benign based on ACMG/AMP sequence variant interpretation guidelines (Richards et al. 2015 PMID: 25741868, with internal and published modifications).